The following is an entry in ClinVar:

ClinVar aggregate classification (germline): Pathogenic. Review status: criteria provided, multiple submitters, no conflicts (2 of 4 stars). 2 submissions from 2 submitters: Pathogenic (2). Last evaluated 2024-06-07.

Conditions:
Mucopolysaccharidosis, MPS-II (MPS2). Also called: Mucopolysaccharidosis with skin involvement; Mucopolysaccharidosis type 2; Attenuated MPS (subtype; formerly known as mild MPS II); Severe MPS II; I2S deficiency; MPS 2. Identifiers: Orphanet 580, Orphanet 79388, MedGen C0026705, MONDO:0010674, OMIM 309900.

Submissions (2):

Laboratory of Diagnosis and Therapy of Lysosomal Disorders, University of Padova
Classification: Pathogenic for Mucopolysaccharidosis, MPS-II. Last evaluated: 2024-06-07. Review status: criteria provided, single submitter. Criteria: ACMG Guidelines, 2015. Collection method: literature only. Allele origin: germline. Affected: yes. Observed: 4 variant alleles.
Comment: Null variant (PVS1_VeryStrong), Prevalence of the variant significantly increased in affected individuals compared with controls (PS4_Strong), Absent from controls (or at low frequency) in gnomAD database (PM2_Moderate), Patient’s phenotype or family history highly specific for the disease (PP4_Strong)

Classification method: ACMG Guidelines [PMID:25741868] with modifications

Labcorp Genetics (formerly Invitae), Labcorp
Classification: Pathogenic for Mucopolysaccharidosis, MPS-II. Last evaluated: 2024-02-14. Review status: criteria provided, single submitter. Criteria: Invitae Variant Classification Sherloc (09022015). Collection method: clinical testing. Allele origin: germline.
Comment: This sequence change creates a premature translational stop signal (p.Pro261Leufs*19) in the IDS gene. It is expected to result in an absent or disrupted protein product. Loss-of-function variants in IDS are known to be pathogenic (PMID: 8940265, 9875019). This variant is not present in population databases (gnomAD no frequency). This premature translational stop signal has been observed in individual(s) with mucopolysaccharidosis II (PMID: 33676511). For these reasons, this variant has been classified as Pathogenic.

Literature cited by the submitters: PubMed 9762601 (cited by Laboratory of Diagnosis and Therapy of Lysosomal Disorders, University of Padova); PubMed 27246110 (cited by Laboratory of Diagnosis and Therapy of Lysosomal Disorders, University of Padova); PubMed 33676511 (cited by Laboratory of Diagnosis and Therapy of Lysosomal Disorders, University of Padova and Labcorp Genetics (formerly Invitae), Labcorp); PubMed 36945845 (cited by Laboratory of Diagnosis and Therapy of Lysosomal Disorders, University of Padova); PubMed 8940265 (cited by Labcorp Genetics (formerly Invitae), Labcorp); PubMed 9875019 (cited by Labcorp Genetics (formerly Invitae), Labcorp).

NM_000202.8(IDS):c.782del (p.Pro261fs)

Genes: IDS (iduronate 2-sulfatase; minus strand), LOC106050102 (IDS recombination region; plus strand). Cytogenetic location: Xq28.
Variant type: Deletion.
Coding change: c.782del on transcript NM_000202.8 (MANE Select); coding-DNA position 782, one base deleted (C; older notation c.782delC).
Protein change: p.Pro261fs; shifts the reading frame from proline 261.
Molecular consequence: frameshift variant. On other transcripts: non-coding transcript variant (1).
Genome position (GRCh38, 1-based): chrX:149,496,443, G deleted on the plus strand (C on the coding strand, the reverse complement: IDS is on the minus strand); the first of 5 consecutive G bases (chrX:149,496,443-149,496,447); deleting any one gives the same sequence. VCF-style (leftmost placement, unchanged base first): chrX-149496442-AG-A. GRCh37 (hg19) VCF-style: chrX-148577973-AG-A.
Other names: c.512del, p.Pro171fs (NM_001166550.4); c.782del, p.Pro261fs (NM_006123.5); short protein forms P171fs, P261fs.
Identifiers: ClinVar variation 2737386 (VCV002737386.5), dbSNP rs2520851440, ClinGen allele CA2694898000.